The following is an entry in ClinVar:

ClinVar aggregate classification (germline): Benign. Review status: criteria provided, multiple submitters, no conflicts (2 of 4 stars). 2 submissions from 2 submitters: Benign (2). Last evaluated 2018-01-12.

Conditions:
Aneurysm-osteoarthritis syndrome. Also called: SMAD3-Related Loeys-Dietz Syndrome; Loeys-Dietz syndrome, type 1C; ANEURYSMS-OSTEOARTHRITIS SYNDROME; LOEYS-DIETZ SYNDROME WITH OSTEOARTHRITIS. Identifiers: Orphanet 284984, MedGen C3151087, MONDO:0013426, OMIM 613795.

Allele frequency attached by ClinVar (database versions not stated): gnomAD 0.19233 and 0.20070; TOPMed 0.20687; 1000 Genomes Project 30x 0.24688; 1000 Genomes Project 0.25280; gnomAD exomes 0.26770.
gnomAD v4.1: 51,252 of 230,062 alleles (22%); highest among the groups gnomAD compares: East Asian, 47%; 7,013 homozygotes.

Submissions (2):

Illumina Laboratory Services, Illumina
Classification: Benign for Aneurysm-osteoarthritis syndrome. Last evaluated: 2018-01-12. Review status: criteria provided, single submitter. Criteria: ICSL Variant Classification Criteria 13 December 2019. Collection method: clinical testing. Allele origin: germline.
Comment: This variant was observed in the ICSL laboratory as part of a predisposition screen in an ostensibly healthy population. It had not been previously curated by ICSL or reported in the Human Gene Mutation Database (HGMD: prior to June 1st, 2018), and was therefore a candidate for classification through an automated scoring system. Utilizing variant allele frequency, disease prevalence and penetrance estimates, and inheritance mode, an automated score was calculated to assess if this variant is too frequent to cause the disease. Based on the score and internal cut-off values, a variant classified as benign is not then subjected to further curation. The score for this variant resulted in a classification of benign for this disease.

Breakthrough Genomics
Classification: Benign. Review status: criteria provided, single submitter. Criteria: ACMG Guidelines, 2015. Collection method: not provided. Allele origin: germline. Inheritance: Autosomal dominant inheritance. Affected: yes.

NM_005902.4(SMAD3):c.*1245G>A

Gene: SMAD3 (SMAD family member 3; plus strand). Cytogenetic location: 15q22.33.
Variant type: single nucleotide variant.
Coding change: c.*1245G>A on transcript NM_005902.4 (MANE Select); 1245 bases downstream of the stop codon, G replaced by A.
Molecular consequence: 3 prime UTR variant.
Genome position (GRCh38, 1-based): chr15:67,191,781, G>A. VCF-style: chr15-67191781-G-A. GRCh37 (hg19) VCF-style: chr15-67484119-G-A.
Other names: c.*1245G>A (NM_001145104.2, NM_001145102.2, NM_001145103.2).
Identifiers: ClinVar variation 316896 (VCV000316896.7), dbSNP rs8031627, ClinGen allele CA10647311.
Genomic context (GRCh38, chr15:67,191,781, plus strand): 5'-GGCCAACATAGGCAAATGAAAAGGGCTATTAAAATATTTTTACACCTTTGAAAATTGCAG[G>A]CTTGGTACAAAGAGGTCTGTCATCTTCCCCCTGGGATATAAGATGATCTAGCTCCCGGTA-3'